The following is an entry in ClinVar:

NM_004260.4(RECQL4):c.444C>T (p.Val148=)

Gene: RECQL4 (RecQ like helicase 4; minus strand). Cytogenetic location: 8q24.3.
Variant type: single nucleotide variant.
Coding change: c.444C>T on transcript NM_004260.4 (MANE Select); coding-DNA position 444, C replaced by T.
Protein change: p.Val148=; no amino-acid change (valine 148 retained).
Molecular consequence: synonymous variant.
Genome position (GRCh38, 1-based): chr8:144,516,675, G>A on the plus strand (C>T on the coding strand, the complement: RECQL4 is on the minus strand). VCF-style: chr8-144516675-G-A. GRCh37 (hg19) VCF-style: chr8-145742059-G-A.
Identifiers: ClinVar variation 459500 (VCV000459500.28), dbSNP rs559167672, ClinGen allele CA4949292.

ClinVar aggregate classification (germline): Benign/Likely benign. Review status: criteria provided, multiple submitters, no conflicts (2 of 4 stars). 6 submissions from 5 submitters: Benign (1); Likely benign (5). Last evaluated 2026-01-26.

Conditions:
Rothmund-Thomson syndrome type 2 (RTS2). Identifiers: Orphanet 221016, MedGen C5203410, MONDO:0016369, OMIM 268400.
Baller-Gerold syndrome (BGS). Also called: CRANIOSYNOSTOSIS WITH RADIAL DEFECTS. Identifiers: Orphanet 1225, MedGen C0265308, MONDO:0009039, OMIM 218600.
Rapadilino syndrome. Identifiers: Orphanet 3021, MedGen C1849453, MONDO:0009955, OMIM 266280.
Hereditary cancer-predisposing syndrome. Also called: Hereditary neoplastic syndrome; Neoplastic Syndromes, Hereditary; Hereditary Cancer Syndrome; Tumor predisposition. Identifiers: Orphanet 140162, MedGen C0027672, MeSH D009386, MONDO:0015356.

Allele frequency attached by ClinVar (database versions not stated): ExAC 0.00015; gnomAD exomes 0.00017; 1000 Genomes Project 30x 0.00047; 1000 Genomes Project 0.00060; gnomAD 0.00006 and 0.00010; TOPMed 0.00009.
gnomAD v4.1: 190 of 1,591,116 alleles (0.012%); highest among the groups gnomAD compares: South Asian, 0.1%; 1 homozygote.

Submissions (6):

Labcorp Genetics (formerly Invitae), Labcorp
Classification: Likely benign for Baller-Gerold syndrome. Last evaluated: 2026-01-26. Review status: criteria provided, single submitter. Criteria: Invitae Variant Classification Sherloc (09022015). Collection method: clinical testing. Allele origin: germline.

CeGaT Center for Human Genetics Tuebingen
Classification: Likely benign. Last evaluated: 2025-06-01. Review status: criteria provided, single submitter. Criteria: CeGaT Center For Human Genetics Tuebingen Variant Classification Criteria Version 2. Collection method: clinical testing. Allele origin: germline. Affected: yes. Observed: 2 variant alleles.
Comment: RECQL4: BP4, BP7

KCCC/NGS Laboratory, Kuwait Cancer Control Center
Classification: Benign for Rapadilino syndrome. Last evaluated: 2025-02-01. Review status: criteria provided, single submitter. Criteria: ACMG Guidelines, 2015. Collection method: clinical testing. Allele origin: germline. Affected: no.

Blueprint Genetics
Classification: Likely benign. Last evaluated: 2024-10-10. Review status: criteria provided, single submitter. Criteria: ACMG Guidelines, 2015. Collection method: clinical testing. Allele origin: germline.

KCCC/NGS Laboratory, Kuwait Cancer Control Center
Classification: Likely benign for Rothmund-Thomson syndrome type 2. Last evaluated: 2023-07-07. Review status: criteria provided, single submitter. Criteria: ACMG Guidelines, 2015. Collection method: clinical testing. Allele origin: germline. Affected: yes.

Sema4
Classification: Likely benign for Hereditary cancer-predisposing syndrome. Last evaluated: 2021-11-03. Review status: criteria provided, single submitter. Criteria: Sema4 Curation Guidelines. Collection method: curation. Allele origin: germline.